The following is an entry in ClinVar:

ClinVar aggregate classification (germline): Uncertain significance (1 of 4 stars; one submission).

Allele frequency attached by ClinVar (database versions not stated): TOPMed below 0.00001; gnomAD exomes 0.00001.
gnomAD v4.1: 14 of 1,613,926 alleles (0.00087%); highest among the groups gnomAD compares: Non-Finnish European, 0.0012%; no homozygotes.

Submission:

Ambry Genetics
Classification: Uncertain significance. Last evaluated: 2022-06-27. Review status: criteria provided, single submitter. Criteria: Ambry Variant Classification Scheme 2023. Collection method: clinical testing. Allele origin: germline.
Comment: The p.N616H variant (also known as c.1846A>C), located in coding exon 13 of the NPAT gene, results from an A to C substitution at nucleotide position 1846. The asparagine at codon 616 is replaced by histidine, an amino acid with similar properties. This amino acid position is conserved. In addition, this alteration is predicted to be tolerated by in silico analysis. Since supporting evidence is limited at this time, the clinical significance of this alteration remains unclear.

NM_002519.3(NPAT):c.1846A>C (p.Asn616His)

Gene: NPAT (nuclear protein, coactivator of histone transcription; minus strand). Cytogenetic location: 11q22.3.
Variant type: single nucleotide variant.
Coding change: c.1846A>C on transcript NM_002519.3 (MANE Select); coding-DNA position 1846, A replaced by C.
Protein change: p.Asn616His; replaces asparagine 616 with histidine.
Molecular consequence: missense variant.
Genome position (GRCh38, 1-based): chr11:108,173,138, T>G on the plus strand (A>C on the coding strand, the complement: NPAT is on the minus strand). VCF-style: chr11-108173138-T-G. GRCh37 (hg19) VCF-style: chr11-108043865-T-G.
Other names: c.1846A>C, p.Asn616His (NM_001321307.1); short protein forms N616H.
Identifiers: ClinVar variation 1781247 (VCV001781247.2), dbSNP rs2077970818, ClinGen allele CA382514227.
Genomic context (GRCh38, chr11:108,173,138, plus strand): 5'-ATGGTTGTTTAGTAGAAGACAGCGAATCTCCAAGATGAATTTCTACTTGTCCAGATACAT[T>G]TAAATGTGAACTTTCAACAGACACAGGTAGTATTTCACTTTGAAGACAAGAATTATCTTG-3'
Protein context (NP_002510.2, residues 606-626): LPVSVESSHL[Asn616His]VSGQVEIHLG